The following is an entry in ClinVar:

ClinVar aggregate classification (germline): Uncertain significance (1 of 4 stars; one submission).

Submission:

Labcorp Genetics (formerly Invitae), Labcorp
Classification: Uncertain significance. Last evaluated: 2022-06-23. Review status: criteria provided, single submitter. Criteria: Invitae Variant Classification Sherloc (09022015). Collection method: clinical testing. Allele origin: germline.
Comment: This variant has not been reported in the literature in individuals affected with PDZD7-related conditions. This variant is not present in population databases (gnomAD no frequency). This sequence change replaces serine, which is neutral and polar, with threonine, which is neutral and polar, at codon 203 of the PDZD7 protein (p.Ser203Thr). Algorithms developed to predict the effect of missense changes on protein structure and function are either unavailable or do not agree on the potential impact of this missense change (SIFT: "Deleterious"; PolyPhen-2: "Not Available"; Align-GVGD: "Class C0"). In summary, the available evidence is currently insufficient to determine the role of this variant in disease. Therefore, it has been classified as a Variant of Uncertain Significance.

NM_001195263.2(PDZD7):c.607T>A (p.Ser203Thr)

Gene: PDZD7 (PDZ domain containing 7; minus strand). Cytogenetic location: 10q24.31.
Variant type: single nucleotide variant.
Coding change: c.607T>A on transcript NM_001195263.2 (MANE Select); coding-DNA position 607, T replaced by A.
Protein change: p.Ser203Thr; replaces serine 203 with threonine.
Molecular consequence: missense variant.
Genome position (GRCh38, 1-based): chr10:101,022,321, A>T on the plus strand (T>A on the coding strand, the complement: PDZD7 is on the minus strand). VCF-style: chr10-101022321-A-T. GRCh37 (hg19) VCF-style: chr10-102782078-A-T.
Other names: c.607T>A, p.Ser203Thr (NM_001351044.2, NM_024895.5); short protein forms S203T.
Identifiers: ClinVar variation 1422083 (VCV001422083.6), dbSNP rs2134089399, ClinGen allele CA378230323.